The following is an entry in ClinVar:

ClinVar aggregate classification (germline): Pathogenic/Likely pathogenic. Review status: criteria provided, multiple submitters, no conflicts (2 of 4 stars). 4 submissions from 4 submitters: Pathogenic (2); Likely pathogenic (1). 1 of the submissions does not count toward it. Last evaluated 2023-03-01.

Conditions:
Factor XIII, A subunit, deficiency of. Also called: Factor XIII subunit A deficiency. Identifiers: Orphanet 331, MedGen C2750514, MONDO:0013187, OMIM 613225, HP:0040233.

Allele frequency attached by ClinVar (database versions not stated): gnomAD 0.00002; TOPMed 0.00002; ExAC 0.00001; gnomAD exomes 0.00001.
gnomAD v4.1: 13 of 1,613,800 alleles (0.00081%); highest among the groups gnomAD compares: African/African-American, 0.0027%; no homozygotes.

Submissions (4):

GeneDx
Classification: Likely pathogenic. Last evaluated: 2023-03-01. Review status: criteria provided, single submitter. Criteria: GeneDx Variant Classification Process June 2021. Collection method: clinical testing. Allele origin: germline. Affected: yes.
Comment: In silico analysis supports that this missense variant has a deleterious effect on protein structure/function; This variant is associated with the following publications: (PMID: 25525159, 24575291, 11167856, 28520207, 8547636, 24118344)

Centre of Medical Genetics, University Hospital Muenster
Classification: Pathogenic for Factor XIII, A subunit, deficiency of. Last evaluated: 2022-11-07. Review status: criteria provided, single submitter. Criteria: ACMG Guidelines, 2015. Collection method: clinical testing. Allele origin: unknown. Affected: yes. Observed: 1 variant allele, 1 heterozygote.
Comment: ACMG categories: PS4,PM2,PM3,PP1,PP3,PP4,PP5

Illumina Laboratory Services, Illumina
Classification: Pathogenic for Factor XIII, A subunit, deficiency of. Last evaluated: 2017-09-12. Review status: criteria provided, single submitter. Criteria: ICSL Variant Classification Criteria 09 May 2019. Collection method: clinical testing. Allele origin: germline.
Comment: The F13A1 c.980G>A (p.Arg327Gln) missense variant has been reported in at least four studies and is found in a total of nine individuals with symptoms consistent with factor XIII subunit A deficiency. Four of these affected individuals are from the same family, including three brothers, two of whom died neonatally due to intracranial hemorrhages, with the variant in a homozygous state, and one relative in a compound heterozygous state (Mikkola et al. 1996). Five unrelated affected individuals, all with factor XIII subunit A deficiency, have also been reported with the variant in a compound heterozygous state (GÃ³mez GarcÃ­a et al. 2001; Katona et al. 2014; IvaÅ¡keviÄius et al. 2017). The variant is also found in nine unaffected carriers from the same family as the affected homozygous brothers. Segregation analysis revealed that the p.Arg327Gln variant segregated with disease in this family (Mikkola et al. 1996). The p.Arg327Gln variant was absent from at least 25 controls and is reported at a frequency of 0.00002 in the total population of the Genome Aggregation Database. Based on the collective evidence, the p.Arg327Gln variant is classified as pathogenic for factor XIII subunit A deficiency. This variant was observed by ICSL as part of a predisposition screen in an ostensibly healthy population.

OMIM
Classification: Pathogenic for FACTOR XIII, A SUBUNIT, DEFICIENCY OF. Last evaluated: 2001-02-01. Review status: no assertion criteria provided. Collection method: literature only. Allele origin: germline. Not counted in ClinVar's aggregate classification.

Literature cited by the submitters: PubMed 24118344 (cited by Illumina Laboratory Services, Illumina); PubMed 8547636 (cited by Illumina Laboratory Services, Illumina and OMIM); PubMed 11167856 (cited by Illumina Laboratory Services, Illumina and OMIM); PubMed 28520207 (cited by Illumina Laboratory Services, Illumina).

NM_000129.4(F13A1):c.980G>A (p.Arg327Gln)

Gene: F13A1 (coagulation factor XIII A chain; minus strand). Cytogenetic location: 6p25.1.
Variant type: single nucleotide variant.
Coding change: c.980G>A on transcript NM_000129.4 (MANE Select); coding-DNA position 980, G replaced by A.
Protein change: p.Arg327Gln; replaces arginine 327 with glutamine.
Molecular consequence: missense variant.
Genome position (GRCh38, 1-based): chr6:6,222,165, C>T on the plus strand (G>A on the coding strand, the complement: F13A1 is on the minus strand). VCF-style: chr6-6222165-C-T. GRCh37 (hg19) VCF-style: chr6-6222398-C-T.
Other names: F13A1, ARG326GLN; R326Q; short protein forms R327Q.
Identifiers: ClinVar variation 16533 (VCV000016533.7), dbSNP rs121913072, ClinGen allele CA126639.